The following is an entry in ClinVar:

ClinVar aggregate classification (germline): Likely benign (0 of 4 stars; one submission).

Conditions:
CDK19-related disorder. Also called: CDK19-related condition.

Submission:

PreventionGenetics, part of Exact Sciences
Classification: Likely benign for CDK19-related condition. Last evaluated: 2024-07-11. Review status: no assertion criteria provided. Collection method: clinical testing. Allele origin: germline.
Comment: This variant is classified as likely benign based on ACMG/AMP sequence variant interpretation guidelines (Richards et al. 2015 PMID: 25741868, with internal and published modifications).

NM_015076.5(CDK19):c.316-10dup

Gene: CDK19 (cyclin dependent kinase 19; minus strand). Cytogenetic location: 6q21.
Variant type: Duplication.
Coding change: c.316-10dup on transcript NM_015076.5 (MANE Select); 10 bases into the intron before coding-DNA position 316, one base duplicated (T; older notation c.316-10dupT).
Molecular consequence: intron variant.
Genome position (GRCh38, 1-based): chr6:110,667,584, A duplicated on the plus strand (T on the coding strand, the reverse complement: CDK19 is on the minus strand); the first of 9 consecutive A bases (chr6:110,667,584-110,667,592); duplicating any one gives the same sequence. VCF-style (leftmost placement, unchanged base first): chr6-110667583-T-TA. GRCh37 (hg19) VCF-style: chr6-110988786-T-TA.
Other names: c.136-10dup (NM_001300964.2, NM_001300963.2); c.316-10dup (NM_001300960.2).
Identifiers: ClinVar variation 3350791 (VCV003350791.1).